The following is an entry in ClinVar:

NM_020442.6(VARS2):c.839_843del (p.Ser280fs)

Gene: VARS2 (valyl-tRNA synthetase 2, mitochondrial; plus strand). Cytogenetic location: 6p21.33.
Variant type: Deletion.
Coding change: c.839_843del on transcript NM_020442.6 (MANE Select); coding-DNA positions 839 to 843, 5 bases deleted (CATGT; older notation c.839_843delCATGT).
Protein change: p.Ser280fs; shifts the reading frame from serine 280.
Molecular consequence: frameshift variant.
Genome position (GRCh38, 1-based): chr6:30,917,190-30,917,194, CATGT deleted; deleting any 5 consecutive bases within chr6:30,917,188-30,917,194 gives the same sequence; the c. name uses the placement nearest the transcript's 3' end. VCF-style (leftmost placement, unchanged base first): chr6-30917187-GGTCAT-G. GRCh37 (hg19) VCF-style: chr6-30884964-GGTCAT-G.
Other names: c.929_933delCATGT (NM_001167734.2); c.419_423del, p.Ser140fs (NM_001167733.3); c.929_933del, p.Ser310fs (NM_001167734.2); short protein forms S140fs, S280fs, S310fs.
Identifiers: ClinVar variation 4845796 (VCV004845796.1).

ClinVar aggregate classification (germline): Likely pathogenic (1 of 4 stars; one submission).

Conditions:
Combined oxidative phosphorylation defect type 20. Also called: Combined oxidative phosphorylation deficiency 20. Identifiers: Orphanet 420728, MedGen C4014660, MONDO:0014397, OMIM 615917.

Submission:

First Genomix Gene Laboratory, Genetic Diagnostics Department
Classification: Likely pathogenic for Combined oxidative phosphorylation defect type 20. Last evaluated: 2025-03-26. Review status: criteria provided, single submitter. Criteria: ACMG Guidelines, 2015. Collection method: clinical testing. Allele origin: germline. Inheritance: Autosomal recessive inheritance. Affected: no. Observed: 1 variant allele.